The following is an entry in ClinVar:

ClinVar aggregate classification (germline): Uncertain significance. Review status: criteria provided, multiple submitters, no conflicts (2 of 4 stars). 4 submissions from 4 submitters: Uncertain significance (4). Last evaluated 2025-06-09.

Conditions:
Malignant hyperthermia, susceptibility to, 1 (MHS1). Also called: Anesthesia related hyperthermia; Malignant hyperpyrexia; Fulminating hyperpyrexia; Pharmacogenic myopathy; Malignant hyperthermia suceptibility 1; RYR1-Related Malignant Hyperthermia Susceptibility. Identifiers: Orphanet 423, MedGen C2930980, MONDO:0007783, OMIM 145600.
RYR1-related disorder. Also called: RYR1-related condition; RYR1-related disorders. Identifiers: MedGen CN239331.

Allele frequency attached by ClinVar (database versions not stated): gnomAD exomes 0.00001; TOPMed 0.00001.
gnomAD v4.1: 9 of 1,611,234 alleles (0.00056%); highest among the groups gnomAD compares: South Asian, 0.0011%; no homozygotes.

Submissions (4):

Color Diagnostics, LLC DBA Color Health
Classification: Uncertain significance for Malignant hyperthermia, susceptibility to, 1. Last evaluated: 2025-06-09. Review status: criteria provided, single submitter. Criteria: ACMG Guidelines, 2015. Collection method: clinical testing. Allele origin: germline.
Comment: This missense variant replaces alanine with valine at codon 1681 of the RYR1 protein. Computational prediction suggests that this variant may have deleterious impact on protein structure and function. To our knowledge, functional studies have not been reported for this variant. This variant has not been reported in individuals affected with RYR1-related disorders in the literature. This variant has not been identified in the general population by the Genome Aggregation Database (gnomAD). The available evidence is insufficient to determine the role of this variant in disease conclusively. Therefore, this variant is classified as a Variant of Uncertain Significance.

Labcorp Genetics (formerly Invitae), Labcorp
Classification: Uncertain significance for RYR1-related disorder. Last evaluated: 2022-03-09. Review status: criteria provided, single submitter. Criteria: Invitae Variant Classification Sherloc (09022015). Collection method: clinical testing. Allele origin: germline.
Comment: This sequence change replaces alanine, which is neutral and non-polar, with valine, which is neutral and non-polar, at codon 1681 of the RYR1 protein (p.Ala1681Val). This variant is not present in population databases (gnomAD no frequency). This variant has not been reported in the literature in individuals affected with RYR1-related conditions. ClinVar contains an entry for this variant (Variation ID: 590549). Advanced modeling of protein sequence and biophysical properties (such as structural, functional, and spatial information, amino acid conservation, physicochemical variation, residue mobility, and thermodynamic stability) performed at Invitae indicates that this missense variant is expected to disrupt RYR1 protein function. In summary, the available evidence is currently insufficient to determine the role of this variant in disease. Therefore, it has been classified as a Variant of Uncertain Significance.

Blueprint Genetics
Classification: Uncertain significance. Last evaluated: 2019-10-25. Review status: criteria provided, single submitter. Criteria: ACMG Guidelines, 2015. Collection method: clinical testing. Allele origin: germline.

PreventionGenetics, part of Exact Sciences
Classification: Uncertain significance. Last evaluated: 2016-05-16. Review status: criteria provided, single submitter. Criteria: ACMG Guidelines, 2015. Collection method: clinical testing. Allele origin: germline.

NM_000540.3(RYR1):c.5042C>T (p.Ala1681Val)

Gene: RYR1 (ryanodine receptor 1; plus strand). Cytogenetic location: 19q13.2.
Variant type: single nucleotide variant.
Coding change: c.5042C>T on transcript NM_000540.3 (MANE Select); coding-DNA position 5042, C replaced by T.
Protein change: p.Ala1681Val; replaces alanine 1681 with valine.
Molecular consequence: missense variant.
Genome position (GRCh38, 1-based): chr19:38,485,697, C>T. VCF-style: chr19-38485697-C-T. GRCh37 (hg19) VCF-style: chr19-38976337-C-T.
Other names: c.5042C>T, p.Ala1681Val (NM_001042723.2); short protein forms A1681V.
Identifiers: ClinVar variation 590549 (VCV000590549.10), dbSNP rs1032892846, ClinGen allele CA405653329.